The following is an entry in ClinVar:

ClinVar aggregate classification (germline): Uncertain significance (1 of 4 stars; one submission).

Submission:

Labcorp Genetics (formerly Invitae), Labcorp
Classification: Uncertain significance. Last evaluated: 2020-10-02. Review status: criteria provided, single submitter. Criteria: Invitae Variant Classification Sherloc (09022015). Collection method: clinical testing. Allele origin: germline.
Comment: This sequence change replaces alanine with threonine at codon 259 of the LCA5 protein (p.Ala259Thr). The alanine residue is highly conserved and there is a small physicochemical difference between alanine and threonine. This variant is not present in population databases (ExAC no frequency). This variant has not been reported in the literature in individuals with LCA5-related conditions. Algorithms developed to predict the effect of missense changes on protein structure and function are either unavailable or do not agree on the potential impact of this missense change (SIFT: "Tolerated"; PolyPhen-2: "Possibly Damaging"; Align-GVGD: "Class C0"). In summary, the available evidence is currently insufficient to determine the role of this variant in disease. Therefore, it has been classified as a Variant of Uncertain Significance.

NM_001122769.3(LCA5):c.775G>A (p.Ala259Thr)

Gene: LCA5 (lebercilin LCA5; minus strand). Cytogenetic location: 6q14.1.
Variant type: single nucleotide variant.
Coding change: c.775G>A on transcript NM_001122769.3 (MANE Select); coding-DNA position 775, G replaced by A.
Protein change: p.Ala259Thr; replaces alanine 259 with threonine.
Molecular consequence: missense variant.
Genome position (GRCh38, 1-based): chr6:79,493,696, C>T on the plus strand (G>A on the coding strand, the complement: LCA5 is on the minus strand). VCF-style: chr6-79493696-C-T. GRCh37 (hg19) VCF-style: chr6-80203413-C-T.
Other names: c.775G>A, p.Ala259Thr (NM_181714.4); short protein forms A259T.
Identifiers: ClinVar variation 999225 (VCV000999225.8), dbSNP rs1308026016, ClinGen allele CA364645380.
Genomic context (GRCh38, chr6:79,493,696, plus strand): 5'-GTACCTCCTTTTGAAGAACTTTATTTTCATCATGAGCCTCATATGCCCTTTTCCTTTCAG[C>T]AAGCAACTGTCGTTGGAAACTGTTAGTACTCAGTTCAAGGTTTTTCGATAGCTCCTATAT-3'
Protein context (NP_001116241.1, residues 249-269): STNSFQRQLL[Ala259Thr]ERKRAYEAHD